The following is an entry in ClinVar:

ClinVar aggregate classification (germline): Uncertain significance. Review status: criteria provided, multiple submitters, no conflicts (2 of 4 stars). 2 submissions from 2 submitters: Uncertain significance (2). Last evaluated 2025-11-03.

Conditions:
Inborn genetic diseases. Identifiers: MedGen C0950123, MeSH D030342.

Allele frequency attached by ClinVar (database versions not stated): TOPMed 0.00003; ExAC 0.00003; ESP Exome Variant Server 0.00008; gnomAD 0.00003.
gnomAD v4.1: 43 of 1,613,716 alleles (0.0027%); highest among the groups gnomAD compares: African/African-American, 0.0067%; no homozygotes.

Submissions (2):

Ambry Genetics
Classification: Uncertain significance for Inborn genetic diseases. Last evaluated: 2025-11-03. Review status: criteria provided, single submitter. Criteria: Ambry Variant Classification Scheme 2023. Collection method: clinical testing. Allele origin: germline.

Labcorp Genetics (formerly Invitae), Labcorp
Classification: Uncertain significance. Last evaluated: 2022-06-23. Review status: criteria provided, single submitter. Criteria: Invitae Variant Classification Sherloc (09022015). Collection method: clinical testing. Allele origin: germline.
Comment: In summary, the available evidence is currently insufficient to determine the role of this variant in disease. Therefore, it has been classified as a Variant of Uncertain Significance. This sequence change replaces tyrosine, which is neutral and polar, with cysteine, which is neutral and slightly polar, at codon 476 of the ANO6 protein (p.Tyr476Cys). This variant is present in population databases (rs368495193, gnomAD 0.03%). This variant has not been reported in the literature in individuals affected with ANO6-related conditions. Advanced modeling of protein sequence and biophysical properties (such as structural, functional, and spatial information, amino acid conservation, physicochemical variation, residue mobility, and thermodynamic stability) performed at Invitae indicates that this missense variant is expected to disrupt ANO6 protein function.

NM_001025356.3(ANO6):c.1427A>G (p.Tyr476Cys)

Gene: ANO6 (anoctamin 6; plus strand). Cytogenetic location: 12q12.
Variant type: single nucleotide variant.
Coding change: c.1427A>G on transcript NM_001025356.3 (MANE Select); coding-DNA position 1427, A replaced by G.
Protein change: p.Tyr476Cys; replaces tyrosine 476 with cysteine.
Molecular consequence: missense variant.
Genome position (GRCh38, 1-based): chr12:45,401,835, A>G. VCF-style: chr12-45401835-A-G. GRCh37 (hg19) VCF-style: chr12-45795618-A-G.
Other names: c.1373A>G, p.Tyr458Cys (NM_001142678.2); c.1427A>G, p.Tyr476Cys (NM_001142679.2); c.1490A>G, p.Tyr497Cys (NM_001204803.2); c.1394A>G, p.Tyr465Cys (NM_001410973.1); c.1427A>G (NM_001025356.2); short protein forms Y465C, Y497C, Y458C, Y476C.
Identifiers: ClinVar variation 2186307 (VCV002186307.6), dbSNP rs368495193, ClinGen allele CA6525359.